The following is an entry in ClinVar:

ClinVar aggregate classification (germline): Uncertain significance. Review status: criteria provided, multiple submitters, no conflicts (2 of 4 stars). 2 submissions from 2 submitters: Uncertain significance (2). Last evaluated 2025-05-14.

Conditions:
Inborn genetic diseases. Identifiers: MedGen C0950123, MeSH D030342.
Atrioventricular septal defect, susceptibility to, 2. Identifiers: MedGen C1853508, MONDO:0011650, OMIM 606217.

Allele frequency attached by ClinVar (database versions not stated): gnomAD exomes below 0.00001.
gnomAD v4.1: 2 of 1,614,200 alleles (0.00012%); highest among the groups gnomAD compares: Admixed American, 0.0033%; no homozygotes.

Submissions (2):

Ambry Genetics
Classification: Uncertain significance for Inborn genetic diseases. Last evaluated: 2025-05-14. Review status: criteria provided, single submitter. Criteria: Ambry Variant Classification Scheme 2023. Collection method: clinical testing. Allele origin: germline.

Labcorp Genetics (formerly Invitae), Labcorp
Classification: Uncertain significance for Atrioventricular septal defect, susceptibility to, 2. Last evaluated: 2023-11-05. Review status: criteria provided, single submitter. Criteria: Invitae Variant Classification Sherloc (09022015). Collection method: clinical testing. Allele origin: germline.
Comment: This sequence change replaces cysteine, which is neutral and slightly polar, with arginine, which is basic and polar, at codon 221 of the CRELD1 protein (p.Cys221Arg). This variant is present in population databases (no rsID available, gnomAD 0.006%). This variant has not been reported in the literature in individuals affected with CRELD1-related conditions. An algorithm developed to predict the effect of missense changes on protein structure and function (PolyPhen-2) suggests that this variant is likely to be disruptive. In summary, the available evidence is currently insufficient to determine the role of this variant in disease. Therefore, it has been classified as a Variant of Uncertain Significance.

NM_001077415.3(CRELD1):c.661T>C (p.Cys221Arg)

Gene: CRELD1 (CRELD disulfide isomerase 1; plus strand). Cytogenetic location: 3p25.3.
Variant type: single nucleotide variant.
Coding change: c.661T>C on transcript NM_001077415.3 (MANE Select); coding-DNA position 661, T replaced by C.
Protein change: p.Cys221Arg; replaces cysteine 221 with arginine.
Molecular consequence: missense variant. On other transcripts: non-coding transcript variant (3).
Genome position (GRCh38, 1-based): chr3:9,941,134, T>C. VCF-style: chr3-9941134-T-C. GRCh37 (hg19) VCF-style: chr3-9982818-T-C.
Other names: c.661T>C, p.Cys221Arg (NM_001410713.1, NM_015513.6, NM_001031717.4 and 5 more transcripts); c.661T>C (NM_015513.4); short protein forms C221R.
Identifiers: ClinVar variation 2720451 (VCV002720451.4), dbSNP rs1334728818, ClinGen allele CA351720163.
Genomic context (GRCh38, chr3:9,941,134, plus strand): 5'-TGCCTGCCCATCCTCATGCTGCCCCCATTCCACCCAGCTTGTTTTGGCCCCTGTGCCCGA[T>C]GCTCAGGACCTGAGGAATCAAACTGTTTGCAATGCAAGAAGGGCTGGGCCCTGCATCACC-3'
Protein context (NP_001070883.2, residues 211-231): CSACFGPCAR[Cys221Arg]SGPEESNCLQ